The following is an entry in ClinVar:

NM_005529.7(HSPG2):c.3183+6C>A

Gene: HSPG2 (heparan sulfate proteoglycan 2; minus strand). Cytogenetic location: 1p36.12.
Variant type: single nucleotide variant.
Coding change: c.3183+6C>A on transcript NM_005529.7 (MANE Select); 6 bases into the intron after coding-DNA position 3183, C replaced by A.
Molecular consequence: intron variant.
Genome position (GRCh38, 1-based): chr1:21,875,857, G>T on the plus strand (C>A on the coding strand, the complement: HSPG2 is on the minus strand). VCF-style: chr1-21875857-G-T. GRCh37 (hg19) VCF-style: chr1-22202350-G-T.
Other names: c.3186+6C>A (NM_001291860.2).
Identifiers: ClinVar variation 2082049 (VCV002082049.4), dbSNP rs2550764776, ClinGen allele CA2580061477.
Genomic context (GRCh38, chr1:21,875,857, plus strand): 5'-GAATGCCGGAGAGGCAGGAGCAAGGGCCTGCCCGCACCCCTACCCCCAGGGGACAGTATT[G>T]CTCACCTCCCGGAAAGGCACAATGAAGGTGCTGGGCTGGCCGGGGCTGGGCTCCTGGGCC-3'

ClinVar aggregate classification (germline): Uncertain significance (1 of 4 stars; one submission).

Submission:

Labcorp Genetics (formerly Invitae), Labcorp
Classification: Uncertain significance. Last evaluated: 2022-05-03. Review status: criteria provided, single submitter. Criteria: Invitae Variant Classification Sherloc (09022015). Collection method: clinical testing. Allele origin: germline.
Comment: In summary, the available evidence is currently insufficient to determine the role of this variant in disease. Therefore, it has been classified as a Variant of Uncertain Significance. Variants that disrupt the consensus splice site are a relatively common cause of aberrant splicing (PMID: 17576681, 9536098). Algorithms developed to predict the effect of sequence changes on RNA splicing suggest that this variant is not likely to affect RNA splicing. This variant has not been reported in the literature in individuals affected with HSPG2-related conditions. This variant is not present in population databases (gnomAD no frequency). This sequence change falls in intron 24 of the HSPG2 gene. It does not directly change the encoded amino acid sequence of the HSPG2 protein. It affects a nucleotide within the consensus splice site.

Literature cited by the submitters: PubMed 17576681; PubMed 9536098.